The following is an entry in ClinVar:

ClinVar aggregate classification (germline): Uncertain significance (1 of 4 stars; one submission).

Conditions:
Hereditary breast ovarian cancer syndrome. Also called: Hereditary breast and/or ovarian cancer syndrome; Hereditary breast and ovarian cancer syndrome; BRCA1- and BRCA2-Associated Hereditary Breast and Ovarian Cancer; Breast and ovarian cancer; Hereditary breast and ovarian cancer; Hereditary breast and ovarian cancer syndrome (HBOC). Identifiers: Orphanet 145, MedGen C0677776, MeSH D061325, MONDO:0003582. Disease mechanism: loss of function.

Submission:

Labcorp Genetics (formerly Invitae), Labcorp
Classification: Uncertain significance for Hereditary breast ovarian cancer syndrome. Last evaluated: 2022-07-13. Review status: criteria provided, single submitter. Criteria: Invitae Variant Classification Sherloc (09022015). Collection method: clinical testing. Allele origin: germline.
Comment: In summary, the available evidence is currently insufficient to determine the role of this variant in disease. Therefore, it has been classified as a Variant of Uncertain Significance. Experimental studies and prediction algorithms are not available or were not evaluated, and the functional significance of this variant is currently unknown. This variant has not been reported in the literature in individuals affected with BRCA2-related conditions. This variant is not present in population databases (gnomAD no frequency). This variant, c.8817_8819del, results in the deletion of 1 amino acid(s) of the BRCA2 protein (p.Lys2940del), but otherwise preserves the integrity of the reading frame.

NM_000059.4(BRCA2):c.8817_8819del (p.Lys2940del)

Gene: BRCA2 (BRCA2 DNA repair associated; plus strand). Cytogenetic location: 13q13.1.
Variant type: Deletion.
Coding change: c.8817_8819del on transcript NM_000059.4 (MANE Select); coding-DNA positions 8817 to 8819, 3 bases deleted (GAA; older notation c.8817_8819delGAA).
Protein change: p.Lys2940del; deletes lysine 2940.
Molecular consequence: inframe deletion. On other transcripts: inframe indel (4).
Genome position (GRCh38, 1-based): chr13:32,379,379-32,379,381, GAA deleted; deleting any 3 consecutive bases within chr13:32,379,377-32,379,381 gives the same sequence; the c. name uses the placement nearest the transcript's 3' end. VCF-style (leftmost placement, unchanged base first): chr13-32379376-TAAG-T. GRCh37 (hg19) VCF-style: chr13-32953513-TAAG-T.
Other names: c.8721_8723delGAA, p.Lys2908del (NM_001406719.1); c.8817_8819delGAA, p.Lys2940del (NM_001406720.1); c.3885_3887delGAA, p.Lys1296del (NM_001406721.1); c.2400_2402delGAA, p.Lys801del (NM_001406722.1); short protein forms K1296del, K801del, K2908del, K2940del.
Identifiers: ClinVar variation 2016385 (VCV002016385.4), dbSNP rs2548555037, ClinGen allele CA2580087458.